The following is an entry in ClinVar:

ClinVar aggregate classification (germline): Uncertain significance (1 of 4 stars; one submission).

Conditions:
Tuberous sclerosis 2 (TSC2). Identifiers: Orphanet 805, MedGen C1860707, MONDO:0013199, OMIM 613254.

Submission:

Labcorp Genetics (formerly Invitae), Labcorp
Classification: Uncertain significance for Tuberous sclerosis 2. Last evaluated: 2024-05-22. Review status: criteria provided, single submitter. Criteria: Invitae Variant Classification Sherloc (09022015). Collection method: clinical testing. Allele origin: germline.
Comment: This sequence change replaces aspartic acid, which is acidic and polar, with glycine, which is neutral and non-polar, at codon 1084 of the TSC2 protein (p.Asp1084Gly). This variant is not present in population databases (gnomAD no frequency). This variant has not been reported in the literature in individuals affected with TSC2-related conditions. Advanced modeling of protein sequence and biophysical properties (such as structural, functional, and spatial information, amino acid conservation, physicochemical variation, residue mobility, and thermodynamic stability) performed at Invitae indicates that this missense variant is not expected to disrupt TSC2 protein function with a negative predictive value of 95%. In summary, the available evidence is currently insufficient to determine the role of this variant in disease. Therefore, it has been classified as a Variant of Uncertain Significance.

NM_000548.5(TSC2):c.3251A>G (p.Asp1084Gly)

Gene: TSC2 (TSC complex subunit 2; plus strand). Cytogenetic location: 16p13.3.
Variant type: single nucleotide variant.
Coding change: c.3251A>G on transcript NM_000548.5 (MANE Select); coding-DNA position 3251, A replaced by G.
Protein change: p.Asp1084Gly; replaces aspartic acid 1084 with glycine.
Molecular consequence: missense variant. On other transcripts: non-coding transcript variant (5).
Genome position (GRCh38, 1-based): chr16:2,079,395, A>G. VCF-style: chr16-2079395-A-G. GRCh37 (hg19) VCF-style: chr16-2129396-A-G.
Other names: c.3119A>G, p.Asp1040Gly (NM_001077183.3, NM_001370404.1, NM_001406665.1); c.3251A>G, p.Asp1084Gly (NM_001114382.3); c.3011A>G, p.Asp1004Gly (NM_001318827.2); c.2975A>G, p.Asp992Gly (NM_001318829.2); c.3140A>G, p.Asp1047Gly (NM_001406670.1); c.3110A>G, p.Asp1037Gly (NM_001406671.1); c.3107A>G, p.Asp1036Gly (NM_001406673.1); c.3104A>G, p.Asp1035Gly (NM_001406675.1); and 18 more; short protein forms D1004G, D1034G, D1035G, D1036G, D1051G, D1071G, D636G, D1021G.
Identifiers: ClinVar variation 2841671 (VCV002841671.3), dbSNP rs2151440273, ClinGen allele CA394286138.